The following is an entry in ClinVar:

ClinVar aggregate classification (germline): Uncertain significance. Review status: criteria provided, multiple submitters, no conflicts (2 of 4 stars). 2 submissions from 2 submitters: Uncertain significance (2). Last evaluated 2025-09-22.

Allele frequency attached by ClinVar (database versions not stated): ExAC 0.00003; TOPMed 0.00003; ESP Exome Variant Server 0.00008; 1000 Genomes Project 0.00020; 1000 Genomes Project 30x 0.00031.
gnomAD v4.1: 68 of 1,614,046 alleles (0.0042%); highest among the groups gnomAD compares: Non-Finnish European, 0.0049%; no homozygotes.

Submissions (2):

Ambry Genetics
Classification: Uncertain significance. Last evaluated: 2025-09-22. Review status: criteria provided, single submitter. Criteria: Ambry Variant Classification Scheme 2023. Collection method: clinical testing. Allele origin: germline.

Labcorp Genetics (formerly Invitae), Labcorp
Classification: Uncertain significance. Last evaluated: 2024-04-10. Review status: criteria provided, single submitter. Criteria: Invitae Variant Classification Sherloc (09022015). Collection method: clinical testing. Allele origin: germline.
Comment: This sequence change replaces arginine, which is basic and polar, with tryptophan, which is neutral and slightly polar, at codon 3649 of the FAT2 protein (p.Arg3649Trp). This variant is present in population databases (rs142359154, gnomAD 0.007%). This variant has not been reported in the literature in individuals affected with FAT2-related conditions. ClinVar contains an entry for this variant (Variation ID: 1925476). An algorithm developed to predict the effect of missense changes on protein structure and function (PolyPhen-2) suggests that this variant is likely to be disruptive. In summary, the available evidence is currently insufficient to determine the role of this variant in disease. Therefore, it has been classified as a Variant of Uncertain Significance.

NM_001447.3(FAT2):c.10945C>T (p.Arg3649Trp)

Genes: FAT2 (FAT atypical cadherin 2; minus strand), SLC36A1 (solute carrier family 36 member 1; plus strand). Cytogenetic location: 5q33.1.
Variant type: single nucleotide variant.
Coding change: c.10945C>T on transcript NM_001447.3 (MANE Select); coding-DNA position 10945, C replaced by T.
Protein change: p.Arg3649Trp; replaces arginine 3649 with tryptophan.
Molecular consequence: missense variant.
Genome position (GRCh38, 1-based): chr5:151,521,648, G>A on the plus strand (C>T on the coding strand, the complement: FAT2 is on the minus strand). VCF-style: chr5-151521648-G-A. GRCh37 (hg19) VCF-style: chr5-150901209-G-A.
Other names: c.10945C>T (NM_001447.2); short protein forms R3649W.
Identifiers: ClinVar variation 1925476 (VCV001925476.6), dbSNP rs142359154, ClinGen allele CA3520124.